The following is an entry in ClinVar:

ClinVar aggregate classification (germline): Likely pathogenic (1 of 4 stars; one submission).

Submission:

Mayo Clinic Laboratories, Mayo Clinic
Classification: Likely pathogenic. Last evaluated: 2025-01-15. Review status: criteria provided, single submitter. Criteria: ACMG Guidelines, 2015. Collection method: clinical testing. Allele origin: germline. Observed: 3 variant alleles.
Comment: PM2_supporting, PVS1

NM_001754.5(RUNX1):c.562dup (p.Thr188fs)

Genes: RUNX1 (RUNX family transcription factor 1; minus strand), RUNX1-AS1 (RUNX1 antisense RNA 1; plus strand). Cytogenetic location: 21q22.12.
Variant type: Duplication.
Coding change: c.562dup on transcript NM_001754.5 (MANE Select); coding-DNA position 562, one base duplicated (A; older notation c.562dupA).
Protein change: p.Thr188fs; shifts the reading frame from threonine 188.
Molecular consequence: frameshift variant.
Genome position (GRCh38, 1-based): chr21:34,859,525, T duplicated on the plus strand (A on the coding strand, the reverse complement: RUNX1 is on the minus strand). VCF-style (leftmost placement, unchanged base first): chr21-34859524-G-GT. GRCh37 (hg19) VCF-style: chr21-36231821-G-GT.
Other names: p.Thr188Asnfs*25; c.481dup, p.Thr161fs (NM_001001890.3, NM_001122607.2); short protein forms T188fs, T161fs.
Identifiers: ClinVar variation 4542409 (VCV004542409.1).